The following is an entry in ClinVar:

ClinVar aggregate classification (germline): Conflicting classifications of pathogenicity. Review status: criteria provided, conflicting classifications (1 of 4 stars). 4 submissions from 4 submitters: Uncertain significance (1); Benign (2); Likely benign (1). Last evaluated 2025-08-18.

Allele frequency attached by ClinVar (database versions not stated): 1000 Genomes Project 0.00060; 1000 Genomes Project 30x 0.00062; ESP Exome Variant Server 0.00062; TOPMed 0.00103; gnomAD 0.00216 and 0.00227; ExAC 0.00237; gnomAD exomes 0.00238.
gnomAD v4.1: 3,069 of 1,614,116 alleles (0.19%); highest among the groups gnomAD compares: Non-Finnish European, 0.16%; 7 homozygotes.

Submissions (7):

Mayo Clinic Laboratories, Mayo Clinic
Classification: Uncertain significance. Last evaluated: 2025-08-18. Review status: criteria provided, single submitter. Criteria: ACMG Guidelines, 2015. Collection method: clinical testing. Allele origin: germline. Observed: 2 variant alleles.

CeGaT Center for Human Genetics Tuebingen
Classification: Likely benign. Last evaluated: 2024-07-01. Review status: criteria provided, single submitter. Criteria: CeGaT Center For Human Genetics Tuebingen Variant Classification Criteria Version 2. Collection method: clinical testing. Allele origin: germline. Affected: yes. Observed: 1 variant allele.
Comment: CLCNKA: BS2

Labcorp Genetics (formerly Invitae), Labcorp
Classification: Benign. Last evaluated: 2018-02-09. Review status: criteria provided, single submitter. Criteria: Invitae Variant Classification Sherloc (09022015). Collection method: clinical testing. Allele origin: germline.

Breakthrough Genomics
Classification: Benign. Review status: criteria provided, single submitter. Criteria: ACMG Guidelines, 2015. Collection method: not provided. Allele origin: germline. Inheritance: Autosomal recessive inheritance. Affected: yes.

Dr. Peter K. Rogan Lab, Western University
No classification provided (evidence only). Condition: Thyroid cancer, nonmedullary, 1. Review status: no classification provided. Collection method: in vitro. Allele origin: not applicable. Functional consequence: retained intron. Not counted in ClinVar's aggregate classification.

Dr. Peter K. Rogan Lab, Western University
No classification provided (evidence only). Condition: Ovarian serous cystadenocarcinoma. Review status: no classification provided. Collection method: in vitro. Allele origin: not applicable. Functional consequence: retained intron. Not counted in ClinVar's aggregate classification.

Dr. Peter K. Rogan Lab, Western University
No classification provided (evidence only). Condition: Malignant tumor of esophagus. Review status: no classification provided. Collection method: in vitro. Allele origin: not applicable. Functional consequence: retained intron. Not counted in ClinVar's aggregate classification.

NM_004070.4(CLCNKA):c.969-7C>G

Genes: CLCNKA (chloride voltage-gated channel Ka; plus strand), LOC106501712 (CLCNKA recombination region; plus strand). Cytogenetic location: 1p36.13.
Variant type: single nucleotide variant.
Coding change: c.969-7C>G on transcript NM_004070.4 (MANE Select); 7 bases into the intron before coding-DNA position 969, C replaced by G.
Molecular consequence: intron variant.
Genome position (GRCh38, 1-based): chr1:16,028,754, C>G. VCF-style: chr1-16028754-C-G. GRCh37 (hg19) VCF-style: chr1-16355249-C-G.
Other names: NC_000001.10:g.16355249C>G; p.?; c.969-7C>G (NM_001042704.2); c.840-7C>G (NM_001257139.2).
Identifiers: ClinVar variation 785787 (VCV000785787.23), dbSNP rs201309731, ClinGen allele CA622536.
Genomic context (GRCh38, chr1:16,028,754, plus strand): 5'-CCTACTTCCCTCTCCTCGGGATGTAGGAAAGGGAGGGCCAGCCCTAGAGCTCACCCACCC[C>G]CCACAGCAAGCCTGTGTACTCCGCTCTGGCCACCTTGCTTCTCGCCTCCATCACCTACCC-3'